The following is an entry in ClinVar:

NM_001145358.2(SIN3A):c.2270A>T (p.Tyr757Phe)

Gene: SIN3A (SIN3 transcription regulator family member A; minus strand). Cytogenetic location: 15q24.2.
Variant type: single nucleotide variant.
Coding change: c.2270A>T on transcript NM_001145358.2 (MANE Select); coding-DNA position 2270, A replaced by T.
Protein change: p.Tyr757Phe; replaces tyrosine 757 with phenylalanine.
Molecular consequence: missense variant.
Genome position (GRCh38, 1-based): chr15:75,394,687, T>A on the plus strand (A>T on the coding strand, the complement: SIN3A is on the minus strand). VCF-style: chr15-75394687-T-A. GRCh37 (hg19) VCF-style: chr15-75687028-T-A.
Other names: c.2270A>T, p.Tyr757Phe (NM_001145357.2, NM_015477.3); short protein forms Y757F.
Identifiers: ClinVar variation 2704699 (VCV002704699.3), dbSNP rs1379289909, ClinGen allele CA393493948.
Genomic context (GRCh38, chr15:75,394,687, plus strand): 5'-TGTGCTAAATATAGACTAGAGTCCTCTCACAGATGCAGAAACCCCCCGCTCACCTCATCA[T>A]AGATACTCTCAATCTCATTGAGTAAGCTCTTAGACCTCAGGACCTTGGTGTCATTCTGTT-3'
Protein context (NP_001138830.1, residues 747-767): KSLLNEIESI[Tyr757Phe]DERQEQATEE

ClinVar aggregate classification (germline): Uncertain significance (1 of 4 stars; one submission).

gnomAD v4.1: 1 of 1,612,046 alleles (0.000062%); highest among the groups gnomAD compares: South Asian, 0.0011%; no homozygotes.

Submission:

Labcorp Genetics (formerly Invitae), Labcorp
Classification: Uncertain significance. Last evaluated: 2023-12-21. Review status: criteria provided, single submitter. Criteria: Invitae Variant Classification Sherloc (09022015). Collection method: clinical testing. Allele origin: germline.
Comment: This sequence change replaces tyrosine, which is neutral and polar, with phenylalanine, which is neutral and non-polar, at codon 757 of the SIN3A protein (p.Tyr757Phe). This variant is not present in population databases (gnomAD no frequency). This variant has not been reported in the literature in individuals affected with SIN3A-related conditions. Advanced modeling of protein sequence and biophysical properties (such as structural, functional, and spatial information, amino acid conservation, physicochemical variation, residue mobility, and thermodynamic stability) performed at Invitae indicates that this missense variant is not expected to disrupt SIN3A protein function with a negative predictive value of 80%. In summary, the available evidence is currently insufficient to determine the role of this variant in disease. Therefore, it has been classified as a Variant of Uncertain Significance.